The following is an entry in ClinVar:

NM_007294.4(BRCA1):c.358G>A (p.Asp120Asn)

Gene: BRCA1 (BRCA1 DNA repair associated; minus strand). Cytogenetic location: 17q21.31.
Variant type: single nucleotide variant.
Coding change: c.358G>A on transcript NM_007294.4 (MANE Select); coding-DNA position 358, G replaced by A.
Protein change: p.Asp120Asn; replaces aspartic acid 120 with asparagine.
Molecular consequence: missense variant. On other transcripts: non-coding transcript variant (1).
Genome position (GRCh38, 1-based): chr17:43,104,205, C>T on the plus strand (G>A on the coding strand, the complement: BRCA1 is on the minus strand). VCF-style: chr17-43104205-C-T. GRCh37 (hg19) VCF-style: chr17-41256222-C-T.
Other names: c.358G>A, p.Asp120Asn (NM_001407683.1, NM_001407684.1, NM_001407685.1 and 165 more transcripts); c.217G>A, p.Asp73Asn (NM_001407692.1, NM_001407694.1, NM_001407695.1 and 99 more transcripts); c.148G>A, p.Asp50Asn (NM_001407853.1, NM_001407879.1, NM_001407881.1 and 58 more transcripts); c.280G>A, p.Asp94Asn (NM_001407862.1, NM_001407874.1, NM_001407875.1 and 21 more transcripts); c.-24G>A (NM_001407959.1, NM_001407960.1, NM_001407962.1 and 4 more transcripts); c.349G>A, p.Asp117Asn (NM_001408408.1, NM_001407646.1, NM_001407647.1); c.226G>A, p.Asp76Asn (NM_001408451.1); short protein forms D120N, D73N, D50N, D76N, D117N, D94N.
Identifiers: ClinVar variation 143000 (VCV000143000.14), dbSNP rs587782882, ClinGen allele CA002290.
Genomic context (GRCh38, chr17:43,104,205, plus strand): 5'-TCTGTAGAAGTCTTTTGGCACGGTTTCTGTAGCCCATACTTTGGATGATAGAAACTTCAT[C>T]TTTTAGATGTTCAGGAGAGTTATTTTCCTTTTTTGCAAAATTATAGCTGTTTGCATCTGT-3'
Protein context (NP_009225.1, residues 110-130): KENNSPEHLK[Asp120Asn]EVSIIQSMGY

ClinVar aggregate classification (germline): Uncertain significance. Review status: criteria provided, multiple submitters, no conflicts (2 of 4 stars). 2 submissions from 2 submitters: Uncertain significance (2). Last evaluated 2023-09-10.

Conditions:
Hereditary cancer-predisposing syndrome. Also called: Hereditary Cancer Syndrome; Neoplastic Syndromes, Hereditary; Hereditary neoplastic syndrome; Tumor predisposition. Identifiers: Orphanet 140162, MedGen C0027672, MeSH D009386, MONDO:0015356.
Hereditary breast ovarian cancer syndrome. Also called: BRCA1- and BRCA2-Associated Hereditary Breast and Ovarian Cancer; Hereditary breast and ovarian cancer syndrome; Hereditary breast and/or ovarian cancer syndrome; Breast and ovarian cancer; Hereditary breast and ovarian cancer; Hereditary breast and ovarian cancer syndrome (HBOC). Identifiers: Orphanet 145, MedGen C0677776, MeSH D061325, MONDO:0003582. Disease mechanism: loss of function.

Submissions (2):

Labcorp Genetics (formerly Invitae), Labcorp
Classification: Uncertain significance for Hereditary breast ovarian cancer syndrome. Last evaluated: 2023-09-10. Review status: criteria provided, single submitter. Criteria: Invitae Variant Classification Sherloc (09022015). Collection method: clinical testing. Allele origin: germline.
Comment: This missense change has been observed in individual(s) with hereditary breast and/or ovarian cancer (PMID: 18680205, 32772980). This variant is not present in population databases (gnomAD no frequency). This sequence change replaces aspartic acid, which is acidic and polar, with asparagine, which is neutral and polar, at codon 120 of the BRCA1 protein (p.Asp120Asn). ClinVar contains an entry for this variant (Variation ID: 143000). In summary, the available evidence is currently insufficient to determine the role of this variant in disease. Therefore, it has been classified as a Variant of Uncertain Significance. Advanced modeling of protein sequence and biophysical properties (such as structural, functional, and spatial information, amino acid conservation, physicochemical variation, residue mobility, and thermodynamic stability) performed at Invitae indicates that this missense variant is not expected to disrupt BRCA1 protein function.

Ambry Genetics
Classification: Uncertain significance for Hereditary cancer-predisposing syndrome. Last evaluated: 2014-04-07. Review status: criteria provided, single submitter. Criteria: Ambry Autosomal Dominant and X-Linked criteria (10/2015). Collection method: clinical testing. Allele origin: germline. Observed: 1 variant allele.
Comment: The p.D120N variant (also known as c.358G>A or 477G>A) is located in coding exon 5 of the BRCA1 gene. This alteration results from a G to A substitution at nucleotide position 358. The aspartic acid at codon 120 is replaced by asparagine, an amino acid with highly similar properties.This variant was not reported in population based cohorts in the following databases: Database of Single NucleotidePolymorphisms (dbSNP), NHLBI Exome Sequencing Project (ESP), and 1000 Genomes Project. To date, this alteration has beendetected with an allele frequency of approximately 0.002% (greater than 42000 alleles tested) in our clinical cohort (includes thisindividual). This amino acid position is not conserved on species alignment. In addition, this alteration is predicted to be benign andtolerated by PolyPhen and SIFT in silico analyses, respectively. Since supporting evidence is limited at this time, the clinicalsignificance of p.D120N remains unclear.

Literature cited by the submitters: PubMed 18680205 (cited by Labcorp Genetics (formerly Invitae), Labcorp); PubMed 32772980 (cited by Labcorp Genetics (formerly Invitae), Labcorp).